The following is an entry in ClinVar:

ClinVar aggregate classification (germline): Uncertain significance (1 of 4 stars; one submission).

Allele frequency attached by ClinVar (database versions not stated): gnomAD exomes below 0.00001 and 0.00001.
gnomAD v4.1: 1 of 1,209,668 alleles (0.000083%); highest among the groups gnomAD compares: Non-Finnish European, 0.00011%; no homozygotes.

Submission:

GeneDx
Classification: Uncertain significance. Last evaluated: 2021-03-10. Review status: criteria provided, single submitter. Criteria: GeneDx Variant Classification Process June 2021. Collection method: clinical testing. Allele origin: germline. Affected: yes.
Comment: In silico analysis, which includes protein predictors and evolutionary conservation, supports a deleterious effect; Has not been previously published as pathogenic or benign to our knowledge

NM_005334.3(HCFC1):c.5923A>C (p.Thr1975Pro)

Gene: HCFC1 (host cell factor C1; minus strand). Cytogenetic location: Xq28.
Variant type: single nucleotide variant.
Coding change: c.5923A>C on transcript NM_005334.3 (MANE Select); coding-DNA position 5923, A replaced by C.
Protein change: p.Thr1975Pro; replaces threonine 1975 with proline.
Molecular consequence: missense variant.
Genome position (GRCh38, 1-based): chrX:153,950,324, T>G on the plus strand (A>C on the coding strand, the complement: HCFC1 is on the minus strand). VCF-style: chrX-153950324-T-G. GRCh37 (hg19) VCF-style: chrX-153215775-T-G.
Other names: short protein forms T1975P.
Identifiers: ClinVar variation 1180119 (VCV001180119.2), dbSNP rs1557112090, ClinGen allele CA415102439.